The following is an entry in ClinVar:

NM_017777.3(MKS1):c.-41C>T

Genes: MKS1 (MKS transition zone complex subunit 1; minus strand), LOC130061271 (ATAC-STARR-seq lymphoblastoid active region 12461; plus strand). Cytogenetic location: 17q22.
Variant type: single nucleotide variant.
Coding change: c.-41C>T on transcript NM_017777.3; 41 bases upstream of the start codon, C replaced by T.
Genome position (GRCh38, 1-based): chr17:58,219,271, G>A on the plus strand (C>T on the coding strand, the complement: MKS1 is on the minus strand). VCF-style: chr17-58219271-G-A. GRCh37 (hg19) VCF-style: chr17-56296632-G-A.
Identifiers: ClinVar variation 388015 (VCV000388015.3), dbSNP rs761615481, ClinGen allele CA16607721.

ClinVar aggregate classification (germline): Likely benign (1 of 4 stars; one submission).

Submission:

GeneDx
Classification: Likely benign. Last evaluated: 2016-08-01. Review status: criteria provided, single submitter. Criteria: GeneDx Variant Classification (06012015). Collection method: clinical testing. Allele origin: germline. Affected: yes.
Comment: This variant is considered likely benign or benign based on one or more of the following criteria: it is a conservative change, it occurs at a poorly conserved position in the protein, it is predicted to be benign by multiple in silico algorithms, and/or has population frequency not consistent with disease.